The following is an entry in ClinVar:

ClinVar aggregate classification (germline): Pathogenic (1 of 4 stars; one submission).

Conditions:
Peroxisome biogenesis disorder. Identifiers: Orphanet 79189, MedGen C1832200, MONDO:0019234. Disease mechanism: loss of function.

Submission:

Labcorp Genetics (formerly Invitae), Labcorp
Classification: Pathogenic for Peroxisome biogenesis disorder. Last evaluated: 2022-06-01. Review status: criteria provided, single submitter. Criteria: Invitae Variant Classification Sherloc (09022015). Collection method: clinical testing. Allele origin: germline.
Comment: This variant has not been reported in the literature in individuals affected with PEX6-related conditions. For these reasons, this variant has been classified as Pathogenic. This variant is not present in population databases (gnomAD no frequency). This sequence change creates a premature translational stop signal (p.Gln840*) in the PEX6 gene. It is expected to result in an absent or disrupted protein product. Loss-of-function variants in PEX6 are known to be pathogenic (PMID: 8670792, 19877282, 21031596).

Literature cited by the submitters: PubMed 8670792; PubMed 19877282; PubMed 21031596.

NM_000287.4(PEX6):c.2518C>T (p.Gln840Ter)

Gene: PEX6 (peroxisomal biogenesis factor 6; minus strand). Cytogenetic location: 6p21.1.
Variant type: single nucleotide variant.
Coding change: c.2518C>T on transcript NM_000287.4 (MANE Select); coding-DNA position 2518, C replaced by T.
Protein change: p.Gln840Ter; replaces glutamine 840 with a stop codon.
Molecular consequence: nonsense. On other transcripts: non-coding transcript variant (1).
Genome position (GRCh38, 1-based): chr6:42,965,322, G>A on the plus strand (C>T on the coding strand, the complement: PEX6 is on the minus strand). VCF-style: chr6-42965322-G-A. GRCh37 (hg19) VCF-style: chr6-42933060-G-A.
Other names: c.2254C>T, p.Gln752Ter (NM_001316313.2); short protein forms Q840*, Q752*.
Identifiers: ClinVar variation 2001688 (VCV002001688.4), dbSNP rs2481200159, ClinGen allele CA364151080.